The following is an entry in ClinVar:

NM_020549.5(CHAT):c.1375A>G (p.Lys459Glu)

Gene: CHAT (choline O-acetyltransferase; plus strand). Cytogenetic location: 10q11.23.
Variant type: single nucleotide variant.
Coding change: c.1375A>G on transcript NM_020549.5 (MANE Select); coding-DNA position 1375, A replaced by G.
Protein change: p.Lys459Glu; replaces lysine 459 with glutamic acid.
Molecular consequence: missense variant.
Genome position (GRCh38, 1-based): chr10:49,648,600, A>G. VCF-style: chr10-49648600-A-G. GRCh37 (hg19) VCF-style: chr10-50856646-A-G.
Other names: c.1021A>G, p.Lys341Glu (NM_001142929.2, NM_001142934.2, NM_020984.4 and 2 more transcripts); c.1129A>G, p.Lys377Glu (NM_001142933.2); c.1375A>G (NM_020549.4); short protein forms K341E, K377E, K459E.
Identifiers: ClinVar variation 1429126 (VCV001429126.4), dbSNP rs769398642, ClinGen allele CA5497462.

ClinVar aggregate classification (germline): Uncertain significance. Review status: criteria provided, multiple submitters, no conflicts (2 of 4 stars). 2 submissions from 2 submitters: Uncertain significance (2). Last evaluated 2025-08-12.

Conditions:
Inborn genetic diseases. Identifiers: MedGen C0950123, MeSH D030342.
Familial infantile myasthenia (CMS6). Also called: Congenital myasthenic syndrome type 6; MYASTHENIC SYNDROME, PRESYNAPTIC, CONGENITAL, ASSOCIATED WITH EPISODIC APNEA; MYASTHENIC SYNDROME, CONGENITAL, 6, PRESYNAPTIC. Identifiers: Orphanet 590, MedGen C0393929, MONDO:0009689, OMIM 254210.

Allele frequency attached by ClinVar (database versions not stated): ExAC 0.00006; gnomAD exomes 0.00006.
gnomAD v4.1: 18 of 1,610,848 alleles (0.0011%); highest among the groups gnomAD compares: Admixed American, 0.03%; no homozygotes.

Submissions (2):

Ambry Genetics
Classification: Uncertain significance for Inborn genetic diseases. Last evaluated: 2025-08-12. Review status: criteria provided, single submitter. Criteria: Ambry Variant Classification Scheme 2023. Collection method: clinical testing. Allele origin: germline.

Labcorp Genetics (formerly Invitae), Labcorp
Classification: Uncertain significance for Familial infantile myasthenia. Last evaluated: 2022-08-17. Review status: criteria provided, single submitter. Criteria: Invitae Variant Classification Sherloc (09022015). Collection method: clinical testing. Allele origin: germline.
Comment: This sequence change replaces lysine, which is basic and polar, with glutamic acid, which is acidic and polar, at codon 459 of the CHAT protein (p.Lys459Glu). This variant is present in population databases (rs769398642, gnomAD 0.05%). This variant has not been reported in the literature in individuals affected with CHAT-related conditions. ClinVar contains an entry for this variant (Variation ID: 1429126). Advanced modeling of protein sequence and biophysical properties (such as structural, functional, and spatial information, amino acid conservation, physicochemical variation, residue mobility, and thermodynamic stability) performed at Invitae indicates that this missense variant is not expected to disrupt CHAT protein function. In summary, the available evidence is currently insufficient to determine the role of this variant in disease. Therefore, it has been classified as a Variant of Uncertain Significance.